The following is an entry in ClinVar:

ClinVar aggregate classification (germline): Benign. Review status: criteria provided, multiple submitters, no conflicts (2 of 4 stars). 10 submissions from 10 submitters: Benign (8). 2 of the submissions do not count toward it. Last evaluated 2026-02-04.

Conditions:
Nemaline myopathy 6 (NEM6). Also called: Nemaline myopathy 6, autosomal dominant. Identifiers: Orphanet 171439, MedGen C1836472, MONDO:0012237, OMIM 609273.

Allele frequency attached by ClinVar (database versions not stated): ESP Exome Variant Server 0.37546; gnomAD exomes 0.39602 and 0.46692; ExAC 0.40242; gnomAD 0.45018 and 0.45129; TOPMed 0.46720; 1000 Genomes Project 30x 0.50078; 1000 Genomes Project 0.50160.

Submissions (10):

Labcorp Genetics (formerly Invitae), Labcorp
Classification: Benign for Nemaline myopathy 6. Last evaluated: 2026-02-04. Review status: criteria provided, single submitter. Criteria: Invitae Variant Classification Sherloc (09022015). Collection method: clinical testing. Allele origin: germline.

Genome-Nilou Lab
Classification: Benign for Nemaline myopathy 6. Last evaluated: 2021-08-19. Review status: criteria provided, single submitter. Criteria: ACMG Guidelines, 2015. Collection method: clinical testing. Allele origin: germline. Affected: no.

Illumina Laboratory Services, Illumina
Classification: Benign for Nemaline myopathy 6. Last evaluated: 2018-01-12. Review status: criteria provided, single submitter. Criteria: ICSL Variant Classification Criteria 13 December 2019. Collection method: clinical testing. Allele origin: germline.
Comment: This variant was observed in the ICSL laboratory as part of a predisposition screen in an ostensibly healthy population. It had not been previously curated by ICSL or reported in the Human Gene Mutation Database (HGMD: prior to June 1st, 2018), and was therefore a candidate for classification through an automated scoring system. Utilizing variant allele frequency, disease prevalence and penetrance estimates, and inheritance mode, an automated score was calculated to assess if this variant is too frequent to cause the disease. Based on the score and internal cut-off values, a variant classified as benign is not then subjected to further curation. The score for this variant resulted in a classification of benign for this disease.

Mayo Clinic Laboratories, Mayo Clinic
Classification: Benign. Last evaluated: 2017-07-19. Review status: criteria provided, single submitter. Criteria: ACMG Guidelines, 2015. Collection method: clinical testing. Allele origin: germline. Observed: 308 variant alleles.

GeneDx
Classification: Benign. Last evaluated: 2016-01-22. Review status: criteria provided, single submitter. Criteria: GeneDx Variant Classification (06012015). Collection method: clinical testing. Allele origin: germline. Affected: yes.
Comment: This variant is considered likely benign or benign based on one or more of the following criteria: it is a conservative change, it occurs at a poorly conserved position in the protein, it is predicted to be benign by multiple in silico algorithms, and/or has population frequency not consistent with disease.

Genetic Services Laboratory, University of Chicago
Classification: Benign for AllHighlyPenetrant. Last evaluated: 2014-02-17. Review status: criteria provided, single submitter. Criteria: ACMG Guidelines, 2007. Collection method: clinical testing. Allele origin: germline. Inheritance: Autosomal dominant inheritance.

Breakthrough Genomics
Classification: Benign. Review status: criteria provided, single submitter. Criteria: ACMG Guidelines, 2015. Collection method: not provided. Allele origin: germline. Inheritance: Autosomal dominant inheritance. Affected: yes.

PreventionGenetics, part of Exact Sciences
Classification: Benign. Review status: criteria provided, single submitter. Criteria: ACMG Guidelines, 2015. Collection method: clinical testing. Allele origin: germline.

Genome Diagnostics Laboratory, University Medical Center Utrecht
Classification: Benign. Review status: no assertion criteria provided. Collection method: clinical testing. Allele origin: germline. Affected: yes. Study: VKGL Data-share Consensus. Not counted in ClinVar's aggregate classification.

Joint Genome Diagnostic Labs from Nijmegen and Maastricht, Radboudumc and MUMC+
Classification: Benign. Review status: no assertion criteria provided. Collection method: clinical testing. Allele origin: germline. Affected: yes. Study: VKGL Data-share Consensus. Not counted in ClinVar's aggregate classification.

NM_001101362.3(KBTBD13):c.378G>T (p.Ala126=)

Gene: KBTBD13 (kelch repeat and BTB domain containing 13; plus strand). Cytogenetic location: 15q22.31.
Variant type: single nucleotide variant.
Coding change: c.378G>T on transcript NM_001101362.3 (MANE Select); coding-DNA position 378, G replaced by T.
Protein change: p.Ala126=; no amino-acid change (alanine 126 retained).
Molecular consequence: synonymous variant.
Genome position (GRCh38, 1-based): chr15:65,077,193, G>T. VCF-style: chr15-65077193-G-T. GRCh37 (hg19) VCF-style: chr15-65369531-G-T.
Other names: p.Ala126=.
Identifiers: ClinVar variation 129309 (VCV000129309.25), dbSNP rs2946642, ClinGen allele CA153243.
Genomic context (GRCh38, chr15:65,077,193, plus strand): 5'-CGCATTGCTGTGCGACGCGGCCGCCGCCTTCGGCCTGCGCGACGTGTTCCACAGTGCCGC[G>T]CTCTTCATCTGCGACGGCGAGCGCGAGCTGGCGGCCGAACTGGCGCTGCCTGAGGCCCGC-3'
Protein context (NP_001094832.1, residues 116-136): FGLRDVFHSA[Ala126=]LFICDGEREL